The following is an entry in ClinVar:

ClinVar aggregate classification (germline): Uncertain significance (1 of 4 stars; one submission).

gnomAD v4.1: 2 of 1,614,268 alleles (0.00012%); highest among the groups gnomAD compares: East Asian, 0.0045%; no homozygotes.

Submission:

GeneDx
Classification: Uncertain significance. Last evaluated: 2026-03-03. Review status: criteria provided, single submitter. Criteria: GeneDx Variant Classification Process June 2021. Collection method: clinical testing. Allele origin: germline.
Comment: Not observed at significant frequency in large population cohorts (gnomAD); In silico analysis supports that this missense variant has a deleterious effect on protein structure/function; Has not been previously published as pathogenic or benign to our knowledge

NM_003185.4(TAF4):c.2702A>G (p.Tyr901Cys)

Gene: TAF4 (TATA-box binding protein associated factor 4; minus strand). Cytogenetic location: 20q13.33.
Variant type: single nucleotide variant.
Coding change: c.2702A>G on transcript NM_003185.4 (MANE Select); coding-DNA position 2702, A replaced by G.
Protein change: p.Tyr901Cys; replaces tyrosine 901 with cysteine.
Molecular consequence: missense variant.
Genome position (GRCh38, 1-based): chr20:62,000,209, T>C on the plus strand (A>G on the coding strand, the complement: TAF4 is on the minus strand). VCF-style: chr20-62000209-T-C. GRCh37 (hg19) VCF-style: chr20-60575265-T-C.
Other names: short protein forms Y901C.
Identifiers: ClinVar variation 5008163 (VCV005008163.1).
Genomic context (GRCh38, chr20:62,000,209, plus strand): 5'-GCTGTTTCTGATATTTTCTCTACAAGATTCTGTAGCCTTTGTTGCGTGGCATGTGATACA[T>C]AACTTACTACATCTGGATGTAATTCCGTTATACCATGTTTTTTACCTAAAGGTCAGGCAA-3'
Protein context (NP_003176.2, residues 891-911): ITELHPDVVS[Tyr901Cys]VSHATQQRLQ